The following is an entry in ClinVar:

ClinVar aggregate classification (germline): Uncertain significance. Review status: criteria provided, multiple submitters, no conflicts (2 of 4 stars). 2 submissions from 2 submitters: Uncertain significance (2). Last evaluated 2025-09-22.

Conditions:
Hereditary cancer-predisposing syndrome. Also called: Tumor predisposition; Hereditary Cancer Syndrome; Hereditary neoplastic syndrome; Neoplastic Syndromes, Hereditary. Identifiers: Orphanet 140162, MedGen C0027672, MeSH D009386, MONDO:0015356.
Hereditary nonpolyposis colorectal neoplasms. Identifiers: MedGen C0009405, MeSH D003123.

gnomAD v4.1: 1 of 1,614,154 alleles (0.000062%); highest among the groups gnomAD compares: Non-Finnish European, 0.000085%; no homozygotes.

Submissions (2):

Labcorp Genetics (formerly Invitae), Labcorp
Classification: Uncertain significance for Hereditary nonpolyposis colorectal neoplasms. Last evaluated: 2025-09-22. Review status: criteria provided, single submitter. Criteria: Invitae Variant Classification Sherloc (09022015). Collection method: clinical testing. Allele origin: germline.
Comment: This sequence change replaces glutamic acid, which is acidic and polar, with lysine, which is basic and polar, at codon 318 of the MSH6 protein (p.Glu318Lys). This variant is not present in population databases (gnomAD no frequency). This variant has not been reported in the literature in individuals affected with MSH6-related conditions. ClinVar contains an entry for this variant (Variation ID: 485866). Invitae Evidence Modeling of protein sequence and biophysical properties (such as structural, functional, and spatial information, amino acid conservation, physicochemical variation, residue mobility, and thermodynamic stability) indicates that this missense variant is not expected to disrupt MSH6 protein function with a negative predictive value of 95%. In summary, the available evidence is currently insufficient to determine the role of this variant in disease. Therefore, it has been classified as a Variant of Uncertain Significance.

Ambry Genetics
Classification: Uncertain significance for Hereditary cancer-predisposing syndrome. Last evaluated: 2018-03-13. Review status: criteria provided, single submitter. Criteria: Ambry Variant Classification Scheme 2023. Collection method: clinical testing. Allele origin: germline.
Comment: The p.E318K variant (also known as c.952G>A), located in coding exon 4 of the MSH6 gene, results from a G to A substitution at nucleotide position 952. The glutamic acid at codon 318 is replaced by lysine, an amino acid with similar properties. This amino acid position is not well conserved in available vertebrate species. In addition, the in silico prediction for this alteration is inconclusive. Since supporting evidence is limited at this time, the clinical significance of this alteration remains unclear.

NM_000179.3(MSH6):c.952G>A (p.Glu318Lys)

Gene: MSH6 (mutS homolog 6; plus strand). Cytogenetic location: 2p16.3.
Variant type: single nucleotide variant.
Coding change: c.952G>A on transcript NM_000179.3 (MANE Select); coding-DNA position 952, G replaced by A.
Protein change: p.Glu318Lys; replaces glutamic acid 318 with lysine.
Molecular consequence: missense variant.
Genome position (GRCh38, 1-based): chr2:47,798,935, G>A. VCF-style: chr2-47798935-G-A. GRCh37 (hg19) VCF-style: chr2-48026074-G-A.
Other names: c.562G>A, p.Glu188Lys (NM_001281492.2); c.46G>A, p.Glu16Lys (NM_001281493.2, NM_001281494.2); short protein forms E318K, E16K, E188K.
Identifiers: ClinVar variation 485866 (VCV000485866.11), dbSNP rs1114167763, ClinGen allele CA346740840.